The following is an entry in ClinVar:

ClinVar aggregate classification (germline): Likely benign (0 of 4 stars; one submission).

Conditions:
ADCY3-related disorder. Also called: ADCY3-related condition.

gnomAD v4.1: 1 of 1,614,086 alleles (0.000062%); highest among the groups gnomAD compares: South Asian, 0.0011%; no homozygotes.

Submission:

PreventionGenetics, part of Exact Sciences
Classification: Likely benign for ADCY3-related condition. Last evaluated: 2024-03-07. Review status: no assertion criteria provided. Collection method: clinical testing. Allele origin: germline.
Comment: This variant is classified as likely benign based on ACMG/AMP sequence variant interpretation guidelines (Richards et al. 2015 PMID: 25741868, with internal and published modifications).

NM_004036.5(ADCY3):c.2211A>G (p.Ala737=)

Gene: ADCY3 (adenylate cyclase 3; minus strand). Cytogenetic location: 2p23.3.
Variant type: single nucleotide variant.
Coding change: c.2211A>G on transcript NM_004036.5 (MANE Select); coding-DNA position 2211, A replaced by G.
Protein change: p.Ala737=; no amino-acid change (alanine 737 retained).
Molecular consequence: synonymous variant. On other transcripts: intron variant (2).
Genome position (GRCh38, 1-based): chr2:24,828,123, T>C on the plus strand (A>G on the coding strand, the complement: ADCY3 is on the minus strand). VCF-style: chr2-24828123-T-C. GRCh37 (hg19) VCF-style: chr2-25050992-T-C.
Other names: c.2211A>G, p.Ala737= (NM_001320613.2, NM_001377132.1); c.2277A>G, p.Ala759= (NM_001377128.1); c.1488A>G, p.Ala496= (NM_001377131.1); c.2172+2586A>G (NM_001377130.1); c.2173-100A>G (NM_001377129.1).
Identifiers: ClinVar variation 3349169 (VCV003349169.1).